The following is an entry in ClinVar:

NM_019594.4(LRRC8A):c.577T>C (p.Ser193Pro)

Gene: LRRC8A (leucine rich repeat containing 8 VRAC subunit A; plus strand). Cytogenetic location: 9q34.11.
Variant type: single nucleotide variant.
Coding change: c.577T>C on transcript NM_019594.4 (MANE Select); coding-DNA position 577, T replaced by C.
Protein change: p.Ser193Pro; replaces serine 193 with proline.
Molecular consequence: missense variant.
Genome position (GRCh38, 1-based): chr9:128,907,741, T>C. VCF-style: chr9-128907741-T-C. GRCh37 (hg19) VCF-style: chr9-131670020-T-C.
Other names: c.577T>C, p.Ser193Pro (NM_001127244.2, NM_001127245.2); short protein forms S193P.
Identifiers: ClinVar variation 3689966 (VCV003689966.2).

ClinVar aggregate classification (germline): Uncertain significance (1 of 4 stars; one submission).

gnomAD v4.1: 3 of 1,612,662 alleles (0.00019%); highest among the groups gnomAD compares: South Asian, 0.0033%; no homozygotes.

Submission:

Labcorp Genetics (formerly Invitae), Labcorp
Classification: Uncertain significance. Last evaluated: 2024-04-06. Review status: criteria provided, single submitter. Criteria: Invitae Variant Classification Sherloc (09022015). Collection method: clinical testing. Allele origin: germline.
Comment: This sequence change replaces serine, which is neutral and polar, with proline, which is neutral and non-polar, at codon 193 of the LRRC8A protein (p.Ser193Pro). This variant is present in population databases (no rsID available, gnomAD 0.003%). This variant has not been reported in the literature in individuals affected with LRRC8A-related conditions. An algorithm developed to predict the effect of missense changes on protein structure and function (PolyPhen-2) suggests that this variant is likely to be tolerated. In summary, the available evidence is currently insufficient to determine the role of this variant in disease. Therefore, it has been classified as a Variant of Uncertain Significance.